The following is an entry in ClinVar:

ClinVar aggregate classification (germline): Uncertain significance (1 of 4 stars; one submission).

Conditions:
Fanconi anemia (FA). Also called: Fanconi's anemia. Identifiers: Orphanet 84, MedGen C0015625, MeSH D005199, MONDO:0019391.

Submission:

Labcorp Genetics (formerly Invitae), Labcorp
Classification: Uncertain significance for Fanconi anemia. Last evaluated: 2022-02-25. Review status: criteria provided, single submitter. Criteria: Invitae Variant Classification Sherloc (09022015). Collection method: clinical testing. Allele origin: germline.
Comment: In summary, the available evidence is currently insufficient to determine the role of this variant in disease. Therefore, it has been classified as a Variant of Uncertain Significance. Variants that disrupt the consensus splice site are a relatively common cause of aberrant splicing (PMID: 17576681, 9536098). Algorithms developed to predict the effect of sequence changes on RNA splicing suggest that this variant may create or strengthen a splice site. This variant has not been reported in the literature in individuals affected with SLX4-related conditions. This variant is present in population databases (no rsID available, gnomAD 0.0009%). This sequence change falls in intron 13 of the SLX4 gene. It does not directly change the encoded amino acid sequence of the SLX4 protein. It affects a nucleotide within the consensus splice site.

Literature cited by the submitters: PubMed 17576681; PubMed 9536098.

NM_032444.4(SLX4):c.4739+6C>A

Gene: SLX4 (SLX4 structure-specific endonuclease subunit; minus strand). Cytogenetic location: 16p13.3.
Variant type: single nucleotide variant.
Coding change: c.4739+6C>A on transcript NM_032444.4 (MANE Select); 6 bases into the intron after coding-DNA position 4739, C replaced by A.
Molecular consequence: intron variant.
Genome position (GRCh38, 1-based): chr16:3,584,763, G>T on the plus strand (C>A on the coding strand, the complement: SLX4 is on the minus strand). VCF-style: chr16-3584763-G-T. GRCh37 (hg19) VCF-style: chr16-3634764-G-T.
Identifiers: ClinVar variation 1352037 (VCV001352037.6), dbSNP rs770758859, ClinGen allele CA620448018.